The following is an entry in ClinVar:

NM_014339.7(IL17RA):c.1447A>G (p.Met483Val)

Gene: IL17RA (interleukin 17 receptor A; plus strand). Cytogenetic location: 22q11.1.
Variant type: single nucleotide variant.
Coding change: c.1447A>G on transcript NM_014339.7 (MANE Select); coding-DNA position 1447, A replaced by G.
Protein change: p.Met483Val; replaces methionine 483 with valine.
Molecular consequence: missense variant.
Genome position (GRCh38, 1-based): chr22:17,108,666, A>G. VCF-style: chr22-17108666-A-G. GRCh37 (hg19) VCF-style: chr22-17589556-A-G.
Other names: c.1345A>G, p.Met449Val (NM_001289905.2); short protein forms M483V, M449V.
Identifiers: ClinVar variation 1387586 (VCV001387586.6), dbSNP rs756651011, ClinGen allele CA10086757.
Genomic context (GRCh38, chr22:17,108,666, plus strand): 5'-GCGCCTGTGCGGCTGCGCTGCGACCACGGAAAGCCCGTGGGGGACCTGTTCACTGCAGCC[A>G]TGAACATGATCCTCCCGGACTTCAAGAGGCCAGCCTGCTTCGGCACCTACGTAGTCTGCT-3'
Protein context (NP_055154.3, residues 473-493): KPVGDLFTAA[Met483Val]NMILPDFKRP

ClinVar aggregate classification (germline): Uncertain significance (1 of 4 stars; one submission).

Conditions:
Immunodeficiency 51 (IMD51). Also called: CANDIDIASIS, FAMILIAL, 5. Identifiers: Orphanet 1334, MedGen C4310803, MONDO:0013500, OMIM 613953.

Allele frequency attached by ClinVar (database versions not stated): ExAC 0.00001; gnomAD 0.00001; gnomAD exomes 0.00001; TOPMed 0.00002.
gnomAD v4.1: 6 of 1,607,832 alleles (0.00037%); highest among the groups gnomAD compares: Non-Finnish European, 0.00051%; no homozygotes.

Submission:

Labcorp Genetics (formerly Invitae), Labcorp
Classification: Uncertain significance for Immunodeficiency 51. Last evaluated: 2022-08-15. Review status: criteria provided, single submitter. Criteria: Invitae Variant Classification Sherloc (09022015). Collection method: clinical testing. Allele origin: germline.
Comment: In summary, the available evidence is currently insufficient to determine the role of this variant in disease. Therefore, it has been classified as a Variant of Uncertain Significance. Algorithms developed to predict the effect of missense changes on protein structure and function are either unavailable or do not agree on the potential impact of this missense change (SIFT: "Deleterious"; PolyPhen-2: "Probably Damaging"; Align-GVGD: "Class C0"). ClinVar contains an entry for this variant (Variation ID: 1387586). This variant has not been reported in the literature in individuals affected with IL17RA-related conditions. This variant is present in population databases (rs756651011, gnomAD 0.002%). This sequence change replaces methionine, which is neutral and non-polar, with valine, which is neutral and non-polar, at codon 483 of the IL17RA protein (p.Met483Val).